The following is an entry in ClinVar:

ClinVar aggregate classification (germline): Uncertain significance. Review status: criteria provided, multiple submitters, no conflicts (2 of 4 stars). 3 submissions from 3 submitters: Uncertain significance (2). 1 of the submissions does not count toward it. Last evaluated 2025-12-01.

Conditions:
Hereditary cancer-predisposing syndrome. Also called: Tumor predisposition; Hereditary neoplastic syndrome; Hereditary Cancer Syndrome; Neoplastic Syndromes, Hereditary. Identifiers: Orphanet 140162, MedGen C0027672, MeSH D009386, MONDO:0015356.
Malignant tumor of breast. Also called: Malignant breast neoplasm; Cancer breast. Identifiers: MedGen C0006142, MONDO:0007254. Disease mechanism: loss of function.
CHEK2-related cancer predisposition (TPDS4). Also called: TUMOR PREDISPOSITION SYNDROME 4; CANCER PREDISPOSITION SYNDROME, CHEK2-RELATED; CHEK2-related cancer susceptibility. Identifiers: Orphanet 524, MedGen C5882668, MONDO:0700271, OMIM 609265.

Submissions (3):

KCCC/NGS Laboratory, Kuwait Cancer Control Center
Classification: Uncertain significance for CHEK2-related cancer predisposition. Last evaluated: 2025-12-01. Review status: criteria provided, single submitter. Criteria: ACMG Guidelines, 2015. Collection method: clinical testing. Allele origin: germline. Inheritance: Autosomal dominant inheritance. Affected: yes.
Comment: the clinical significance of this alteration remains unclear. The diagnosis of hereditary cancer syndrome is not confirmed.

Ambry Genetics
Classification: Uncertain significance for Hereditary cancer-predisposing syndrome. Last evaluated: 2022-06-24. Review status: criteria provided, single submitter. Criteria: Ambry Variant Classification Scheme 2023. Collection method: clinical testing. Allele origin: germline.
Comment: The p.E239D variant (also known as c.717G>C), located in coding exon 5 of the CHEK2 gene, results from a G to C substitution at nucleotide position 717. The glutamic acid at codon 239 is replaced by aspartic acid, an amino acid with highly similar properties. This variant was also observed in 1/3251 individuals who met eligibility criteria for hereditary breast and ovarian cancer syndrome (Lerner-Ellis J et al. J Cancer Res Clin Oncol, 2021 Mar;147:871-879). This amino acid position is highly conserved in available vertebrate species. In addition, the in silico prediction for this alteration is inconclusive. Since supporting evidence is limited at this time, the clinical significance of this alteration remains unclear.

Department of Pathology and Laboratory Medicine, Sinai Health System
Classification: Uncertain significance for Malignant tumor of breast. Review status: no assertion criteria provided. Collection method: clinical testing. Allele origin: unknown. Affected: yes. Study: The Canadian Open Genetics Repository (COGR). Not counted in ClinVar's aggregate classification.
Comment: The CHEK2 p.Glu239Asp variant was not identified in the literature nor was it identified in the dbSNP or ClinVar databases. The variant was not identified in the following control databases: the Exome Aggregation Consortium (August 8th 2016) or the Genome Aggregation Database (Feb 27, 2017). The p.Glu239 residue is conserved in mammals but not in more distantly related organisms and four out of five computational analyses (PolyPhen-2, SIFT, AlignGVGD, BLOSUM, MutationTaster) do not suggest a high likelihood of impact to the protein; this information is not predictive enough to rule out pathogenicity. The variant occurs outside of the splicing consensus sequence and in silico or computational prediction software programs (SpliceSiteFinder, MaxEntScan, NNSPLICE, GeneSplicer) do not predict a difference in splicing. In summary, based on the above information, the clinical significance of this variant cannot be determined with certainty at this time. This variant is classified as a variant of uncertain significance.

Literature cited by the submitters: PubMed 32885271 (cited by Ambry Genetics).

NM_007194.4(CHEK2):c.717G>C (p.Glu239Asp)

Gene: CHEK2 (checkpoint kinase 2; minus strand). Cytogenetic location: 22q12.1.
Variant type: single nucleotide variant.
Coding change: c.717G>C on transcript NM_007194.4 (MANE Select); coding-DNA position 717, G replaced by C.
Protein change: p.Glu239Asp; replaces glutamic acid 239 with aspartic acid.
Molecular consequence: missense variant.
Genome position (GRCh38, 1-based): chr22:28,711,984, C>G on the plus strand (G>C on the coding strand, the complement: CHEK2 is on the minus strand). VCF-style: chr22-28711984-C-G. GRCh37 (hg19) VCF-style: chr22-29107972-C-G.
Other names: c.846G>C, p.Glu282Asp (NM_001005735.3); c.54G>C, p.Glu18Asp (NM_001257387.3); c.516G>C, p.Glu172Asp (NM_001349956.3); c.717G>C, p.Glu239Asp (NM_145862.3); short protein forms E172D, E18D, E239D, E282D.
Identifiers: ClinVar variation 1049462 (VCV001049462.5), dbSNP rs1555921253, ClinGen allele CA411103374.
Genomic context (GRCh38, chr22:28,711,984, plus strand): 5'-ACCAATAGCAAACTTCCTTTTGCTGATGATCTTTATGGCTACTTTCTTACATGTTTTCCT[C>G]TCGAAAGCCAGCTTTACCTCTCCACAGGCACCACTAGAGGGAAAAACAAAGATAGTGATT-3'
Protein context (NP_009125.1, residues 229-249): GACGEVKLAF[Glu239Asp]RKTCKKVAIK